The following is an entry in ClinVar:

NM_000302.4(PLOD1):c.1790C>T (p.Pro597Leu)

Gene: PLOD1 (procollagen-lysine,2-oxoglutarate 5-dioxygenase 1; plus strand). Cytogenetic location: 1p36.22.
Variant type: single nucleotide variant.
Coding change: c.1790C>T on transcript NM_000302.4 (MANE Select); coding-DNA position 1790, C replaced by T.
Protein change: p.Pro597Leu; replaces proline 597 with leucine.
Molecular consequence: missense variant.
Genome position (GRCh38, 1-based): chr1:11,970,704, C>T. VCF-style: chr1-11970704-C-T. GRCh37 (hg19) VCF-style: chr1-12030761-C-T.
Other names: c.1931C>T, p.Pro644Leu (NM_001316320.2); short protein forms P597L, P644L.
Identifiers: ClinVar variation 292341 (VCV000292341.16), dbSNP rs775321665, ClinGen allele CA598567.

ClinVar aggregate classification (germline): Uncertain significance. Review status: criteria provided, multiple submitters, no conflicts (2 of 4 stars). 3 submissions from 3 submitters: Uncertain significance (3). Last evaluated 2024-11-09.

Conditions:
Ehlers-Danlos syndrome, kyphoscoliotic type 1 (EDSKSCL1). Also called: EHLERS-DANLOS SYNDROME, TYPE VIA; Ehlers-Danlos syndrome, hydroxylysine-deficient; EHLERS-DANLOS SYNDROME, OCULAR-SCOLIOTIC TYPE; PLOD1-Related Kyphoscoliotic Ehlers-Danlos Syndrome. Identifiers: Orphanet 1900, MedGen C0268342, MONDO:0016002, OMIM 225400. Disease mechanism: loss of function.

Allele frequency attached by ClinVar (database versions not stated): TOPMed 0.00002; ExAC 0.00003; gnomAD exomes 0.00003.
gnomAD v4.1: 46 of 1,612,934 alleles (0.0029%); highest among the groups gnomAD compares: Non-Finnish European, 0.0036%; no homozygotes.

Submissions (3):

Labcorp Genetics (formerly Invitae), Labcorp
Classification: Uncertain significance for Ehlers-Danlos syndrome, kyphoscoliotic type 1. Last evaluated: 2024-11-09. Review status: criteria provided, single submitter. Criteria: Invitae Variant Classification Sherloc (09022015). Collection method: clinical testing. Allele origin: germline.
Comment: This sequence change replaces proline, which is neutral and non-polar, with leucine, which is neutral and non-polar, at codon 597 of the PLOD1 protein (p.Pro597Leu). This variant is present in population databases (rs775321665, gnomAD 0.007%). This variant has not been reported in the literature in individuals affected with PLOD1-related conditions. ClinVar contains an entry for this variant (Variation ID: 292341). Invitae Evidence Modeling of protein sequence and biophysical properties (such as structural, functional, and spatial information, amino acid conservation, physicochemical variation, residue mobility, and thermodynamic stability) indicates that this missense variant is expected to disrupt PLOD1 protein function with a positive predictive value of 95%. In summary, the available evidence is currently insufficient to determine the role of this variant in disease. Therefore, it has been classified as a Variant of Uncertain Significance.

GeneDx
Classification: Uncertain significance. Last evaluated: 2024-01-31. Review status: criteria provided, single submitter. Criteria: GeneDx Variant Classification Process June 2021. Collection method: clinical testing. Allele origin: germline. Affected: yes.
Comment: Not observed at a significant frequency in large population cohorts (gnomAD); In silico analysis supports that this missense variant has a deleterious effect on protein structure/function; Reported in ClinVar but additional evidence is not available (ClinVar Variant ID# 292341; ClinVar); Has not been previously published as pathogenic or benign to our knowledge

Illumina Laboratory Services, Illumina
Classification: Uncertain significance for Ehlers-Danlos syndrome, kyphoscoliotic type 1. Last evaluated: 2018-01-13. Review status: criteria provided, single submitter. Criteria: ICSL Variant Classification Criteria 13 December 2019. Collection method: clinical testing. Allele origin: germline.